The following is an entry in ClinVar:

ClinVar aggregate classification (germline): Uncertain significance (1 of 4 stars; one submission).

Allele frequency attached by ClinVar (database versions not stated): gnomAD exomes below 0.00001.
gnomAD v4.1: 5 of 1,608,584 alleles (0.00031%); highest among the groups gnomAD compares: Non-Finnish European, 0.00042%; no homozygotes.

Submission:

Labcorp Genetics (formerly Invitae), Labcorp
Classification: Uncertain significance. Last evaluated: 2022-06-09. Review status: criteria provided, single submitter. Criteria: Invitae Variant Classification Sherloc (09022015). Collection method: clinical testing. Allele origin: germline.
Comment: In summary, the available evidence is currently insufficient to determine the role of this variant in disease. Therefore, it has been classified as a Variant of Uncertain Significance. Algorithms developed to predict the effect of missense changes on protein structure and function are either unavailable or do not agree on the potential impact of this missense change (SIFT: "Deleterious"; PolyPhen-2: "Not Available"; Align-GVGD: "Class C55"). This variant has not been reported in the literature in individuals affected with ACAN-related conditions. This variant is not present in population databases (gnomAD no frequency). This sequence change replaces alanine, which is neutral and non-polar, with valine, which is neutral and non-polar, at codon 281 of the ACAN protein (p.Ala281Val).

NM_001369268.1(ACAN):c.842C>T (p.Ala281Val)

Gene: ACAN (aggrecan; plus strand). Cytogenetic location: 15q26.1.
Variant type: single nucleotide variant.
Coding change: c.842C>T on transcript NM_001369268.1 (MANE Select); coding-DNA position 842, C replaced by T.
Protein change: p.Ala281Val; replaces alanine 281 with valine.
Molecular consequence: missense variant.
Genome position (GRCh38, 1-based): chr15:88,843,439, C>T. VCF-style: chr15-88843439-C-T. GRCh37 (hg19) VCF-style: chr15-89386670-C-T.
Other names: c.842C>T, p.Ala281Val (NM_001135.4, NM_001411096.1, NM_001411097.1 and 1 more transcripts); short protein forms A281V.
Identifiers: ClinVar variation 2004120 (VCV002004120.4), dbSNP rs2505250562, ClinGen allele CA393707610.